The following is an entry in ClinVar:

ClinVar aggregate classification (germline): Uncertain significance. Review status: criteria provided, multiple submitters, no conflicts (2 of 4 stars). 2 submissions from 2 submitters: Uncertain significance (2). Last evaluated 2024-05-30.

Conditions:
RYR1-related disorder. Also called: RYR1-related condition; RYR1-related disorders. Identifiers: MedGen CN239331.
Malignant hyperthermia, susceptibility to, 1 (MHS1). Also called: Malignant hyperthermia suceptibility 1; RYR1-Related Malignant Hyperthermia Susceptibility; Anesthesia related hyperthermia; Malignant hyperpyrexia; Fulminating hyperpyrexia; Pharmacogenic myopathy. Identifiers: Orphanet 423, MedGen C2930980, MONDO:0007783, OMIM 145600.

Submissions (2):

All of Us Research Program, National Institutes of Health
Classification: Uncertain significance for Malignant hyperthermia, susceptibility to, 1. Last evaluated: 2024-05-30. Review status: criteria provided, single submitter. Criteria: ACMG Guidelines, 2015. Collection method: clinical testing. Allele origin: germline. Inheritance: Autosomal dominant inheritance. Observed: 2 variant alleles, 2 heterozygotes.
Comment: This missense variant replaces arginine with glycine at codon 2806 of the RYR1 protein. Computational prediction suggests that this variant may have deleterious impact on protein structure and function (internally defined REVEL score threshold >= 0.7, PMID: 27666373). To our knowledge, functional studies have not been reported for this variant. This variant has not been reported in individuals affected with RYR1-related disorders in the literature. This variant has not been identified in the general population by the Genome Aggregation Database (gnomAD). The available evidence is insufficient to determine the role of this variant in disease conclusively. Therefore, this variant is classified as a Variant of Uncertain Significance.

This study involves interpretation of variants in research participants for the purpose of population health screening. Participant phenotype was not available at the time of variant classification. Additional details can be found in publication PMID: 35346344, PMCID: PMC8962531

Labcorp Genetics (formerly Invitae), Labcorp
Classification: Uncertain significance for RYR1-related disorder. Last evaluated: 2021-07-31. Review status: criteria provided, single submitter. Criteria: Invitae Variant Classification Sherloc (09022015). Collection method: clinical testing. Allele origin: germline.
Comment: This sequence change replaces arginine with glycine at codon 2806 of the RYR1 protein (p.Arg2806Gly). The arginine residue is highly conserved and there is a moderate physicochemical difference between arginine and glycine. This variant is not present in population databases (ExAC no frequency). This variant has not been reported in the literature in individuals affected with RYR1-related conditions. Advanced modeling of protein sequence and biophysical properties (such as structural, functional, and spatial information, amino acid conservation, physicochemical variation, residue mobility, and thermodynamic stability) performed at Invitae indicates that this missense variant is expected to disrupt RYR1 protein function. In summary, the available evidence is currently insufficient to determine the role of this variant in disease. Therefore, it has been classified as a Variant of Uncertain Significance.

NM_000540.3(RYR1):c.8416C>G (p.Arg2806Gly)

Genes: RYR1 (ryanodine receptor 1; plus strand), LOC126862902 (BRD4-independent group 4 enhancer GRCh37_chr19:38995830-38997029; plus strand). Cytogenetic location: 19q13.2.
Variant type: single nucleotide variant.
Coding change: c.8416C>G on transcript NM_000540.3 (MANE Select); coding-DNA position 8416, C replaced by G.
Protein change: p.Arg2806Gly; replaces arginine 2806 with glycine.
Molecular consequence: missense variant.
Genome position (GRCh38, 1-based): chr19:38,505,821, C>G. VCF-style: chr19-38505821-C-G. GRCh37 (hg19) VCF-style: chr19-38996461-C-G.
Other names: c.8416C>G, p.Arg2806Gly (NM_001042723.2); short protein forms R2806G.
Identifiers: ClinVar variation 1371870 (VCV001371870.5), dbSNP rs772769577, ClinGen allele CA405678567.